The following is an entry in ClinVar:

NM_004304.5(ALK):c.3551G>A (p.Gly1184Glu)

Gene: ALK (ALK receptor tyrosine kinase; minus strand). Cytogenetic location: 2p23.2.
Variant type: single nucleotide variant.
Coding change: c.3551G>A on transcript NM_004304.5 (MANE Select); coding-DNA position 3551, G replaced by A.
Protein change: p.Gly1184Glu; replaces glycine 1184 with glutamic acid.
Molecular consequence: missense variant.
Genome position (GRCh38, 1-based): chr2:29,220,800, C>T on the plus strand (G>A on the coding strand, the complement: ALK is on the minus strand). VCF-style: chr2-29220800-C-T. GRCh37 (hg19) VCF-style: chr2-29443666-C-T.
Other names: c.347G>A, p.Gly116Glu (NM_001353765.2); short protein forms G1184E, G116E.
Identifiers: ClinVar variation 5035677 (VCV005035677.1).

ClinVar aggregate classification (germline): Uncertain significance (1 of 4 stars; one submission).

Conditions:
Hereditary cancer-predisposing syndrome. Also called: Hereditary Cancer Syndrome; Neoplastic Syndromes, Hereditary; Tumor predisposition; Hereditary neoplastic syndrome. Identifiers: Orphanet 140162, MedGen C0027672, MeSH D009386, MONDO:0015356.

Submission:

Ambry Genetics
Classification: Uncertain significance for Hereditary cancer-predisposing syndrome. Last evaluated: 2026-09-11. Review status: criteria provided, single submitter. Criteria: Ambry Variant Classification Scheme 2023. Collection method: clinical testing. Allele origin: germline.
Comment: The p.G1184E variant (also known as c.3551G>A), located in coding exon 23 of the ALK gene, results from a G to A substitution at nucleotide position 3551. The glycine at codon 1184 is replaced by glutamic acid, an amino acid with similar properties. This amino acid position is highly conserved in available vertebrate species. In addition, this alteration is predicted to be deleterious by in silico analysis. Based on the available evidence, the clinical significance of this variant remains unclear.